The following is an entry in ClinVar:

NM_000257.4(MYH7):c.327C>T (p.Tyr109=)

Gene: MYH7 (myosin heavy chain 7; minus strand). Cytogenetic location: 14q11.2.
Variant type: single nucleotide variant.
Coding change: c.327C>T on transcript NM_000257.4 (MANE Select); coding-DNA position 327, C replaced by T.
Protein change: p.Tyr109=; no amino-acid change (tyrosine 109 retained).
Molecular consequence: synonymous variant.
Genome position (GRCh38, 1-based): chr14:23,433,102, G>A on the plus strand (C>T on the coding strand, the complement: MYH7 is on the minus strand). VCF-style: chr14-23433102-G-A. GRCh37 (hg19) VCF-style: chr14-23902311-G-A.
Other names: NM_000257.3(MYH7):c.327C>T.
Identifiers: ClinVar variation 42952 (VCV000042952.71), dbSNP rs36211408, ClinGen allele CA013536.

ClinVar aggregate classification (germline): Benign. Review status: reviewed by expert panel (3 of 4 stars). 17 submissions from 15 submitters: Benign (1). 16 of the submissions do not count toward it. Last evaluated 2025-11-11.

Conditions:
MYH7-related disorder. Also called: MYH7-related condition; MYH7-related disease; MYH7-related disorders.
Myosin storage myopathy (CMYO7A). Also called: MYOPATHY WITH LYSIS OF TYPE I MYOFIBRILS; MYOPATHY, HYALINE BODY, AUTOSOMAL DOMINANT; SCAPULOPERONEAL MUSCULAR DYSTROPHY; SCAPULOPERONEAL SYNDROME, MYOPATHIC TYPE; MYH7-related late-onset scapuloperoneal muscular dystrophy; Congenital myopathy 7A, myosin storage, autosomal dominant. Identifiers: Orphanet 437572, Orphanet 636965, MedGen C1842160, MONDO:0008409, OMIM 608358.
Cardiovascular phenotype. Identifiers: MedGen CN230736.
Cardiomyopathy (CMYO). Also called: Cardiomyopathies. Identifiers: Orphanet 167848, MedGen C0878544, MONDO:0004994, HP:0001638. Inheritance: Various modes of inheritance.
Hypertrophic cardiomyopathy 1 (CMH1). Also called: Familial hypertrophic cardiomyopathy 1; MYH7-Related Familial Hypertrophic Cardiomyopathy. Identifiers: MedGen C3495498, MONDO:0008647, OMIM 192600.
MYH7-related skeletal myopathy. Also called: Myopathy, distal, 1; Laing distal myopathy; MYOPATHY, DISTAL, EARLY-ONSET, AUTOSOMAL DOMINANT; MYOPATHY, LATE DISTAL HEREDITARY; Laing early-onset distal myopathy. Identifiers: Orphanet 59135, MedGen C4552004, MONDO:0008050, OMIM 160500.
Hypertrophic cardiomyopathy. Also called: HYPERTROPHIC MYOCARDIOPATHY. Identifiers: Orphanet 217569, MedGen C0007194, MeSH D002312, MONDO:0005045, HP:0001639.

Allele frequency attached by ClinVar (database versions not stated): ESP Exome Variant Server 0.00008; gnomAD 0.00009 and 0.00013; TOPMed 0.00009; gnomAD exomes 0.00021 and 0.00039; ExAC 0.00037; 1000 Genomes Project 0.00040; 1000 Genomes Project 30x 0.00062.
gnomAD v4.1: 333 of 1,614,098 alleles (0.021%); highest among the groups gnomAD compares: South Asian, 0.22%; 4 homozygotes.

Submissions (17):

ClinGen Cardiomyopathy Variant Curation Expert Panel
Classification: Benign for Hypertrophic cardiomyopathy. Last evaluated: 2025-11-11. Review status: reviewed by expert panel. Criteria: ClinGen CMP ACMG Specifications v1. Collection method: curation. Allele origin: germline. Inheritance: Autosomal dominant inheritance.
Comment: The filtering allele frequency of the c.327C>T (p.Tyr109=) silent variant in the MYH7 gene is 0.13% (31/16512) of South Asian chromosomes by the Exome Aggregation Consortium, which is a high enough frequency to be classified as benign based on thresholds defined by the ClinGen Inherited Cardiomyopathy Expert Panel (BA1, BP7; PMID:29300372).

Labcorp Genetics (formerly Invitae), Labcorp
Classification: Likely benign for Hypertrophic cardiomyopathy. Last evaluated: 2026-02-02. Review status: criteria provided, single submitter. Criteria: Invitae Variant Classification Sherloc (09022015). Collection method: clinical testing. Allele origin: germline. Not counted in ClinVar's aggregate classification.

ARUP Laboratories, Molecular Genetics and Genomics, ARUP Laboratories
Classification: Benign. Last evaluated: 2025-04-28. Review status: criteria provided, single submitter. Criteria: ARUP Molecular Germline Variant Investigation Process 2024. Collection method: clinical testing. Allele origin: germline. Not counted in ClinVar's aggregate classification.

Molecular Diagnostic Laboratory for Inherited Cardiovascular Disease, Montreal Heart Institute
Classification: Benign. Last evaluated: 2025-04-09. Review status: criteria provided, single submitter. Criteria: ACMG Guidelines, 2015. Collection method: clinical testing. Allele origin: germline. Affected: no. Not counted in ClinVar's aggregate classification.

Women's Health and Genetics/Laboratory Corporation of America, LabCorp
Classification: Likely benign. Last evaluated: 2024-12-06. Review status: criteria provided, single submitter. Criteria: LabCorp Variant Classification Summary - May 2015. Collection method: clinical testing. Allele origin: germline. Not counted in ClinVar's aggregate classification.

Blueprint Genetics
Classification: Likely benign. Last evaluated: 2024-06-19. Review status: criteria provided, single submitter. Criteria: ACMG Guidelines, 2015. Collection method: clinical testing. Allele origin: germline. Not counted in ClinVar's aggregate classification.

CeGaT Center for Human Genetics Tuebingen
Classification: Likely benign. Last evaluated: 2024-05-01. Review status: criteria provided, single submitter. Criteria: CeGaT Center For Human Genetics Tuebingen Variant Classification Criteria Version 2. Collection method: clinical testing. Allele origin: germline. Affected: yes. Observed: 3 variant alleles. Not counted in ClinVar's aggregate classification.
Comment: MYH7: BP4, BP7

All of Us Research Program, National Institutes of Health
Classification: Benign for Cardiomyopathy. Last evaluated: 2024-02-05. Review status: criteria provided, single submitter. Criteria: ACMG Guidelines, 2015. Collection method: clinical testing. Allele origin: germline. Inheritance: Autosomal dominant inheritance. Observed: 38 variant alleles, 38 heterozygotes. Not counted in ClinVar's aggregate classification.
Comment: This study involves interpretation of variants in research participants for the purpose of population health screening. Participant phenotype was not available at the time of variant classification. Additional details can be found in publication PMID: 35346344, PMCID: PMC8962531

Color Diagnostics, LLC DBA Color Health
Classification: Benign for Cardiomyopathy. Last evaluated: 2018-10-16. Review status: criteria provided, single submitter. Criteria: ACMG Guidelines, 2015. Collection method: clinical testing. Allele origin: germline. Not counted in ClinVar's aggregate classification.

CHEO Genetics Diagnostic Laboratory, Children's Hospital of Eastern Ontario
Classification: Benign for Cardiomyopathy. Last evaluated: 2018-04-26. Review status: criteria provided, single submitter. Criteria: ACMG Guidelines, 2015. Collection method: clinical testing. Allele origin: germline. Not counted in ClinVar's aggregate classification.

Illumina Laboratory Services, Illumina
Classification: Uncertain significance for Hypertrophic cardiomyopathy 1. Last evaluated: 2018-01-12. Review status: criteria provided, single submitter. Criteria: ICSL Variant Classification Criteria 13 December 2019. Collection method: clinical testing. Allele origin: germline. Not counted in ClinVar's aggregate classification.

Illumina Laboratory Services, Illumina
Classification: Benign for MYH7-related skeletal myopathy. Last evaluated: 2018-01-12. Review status: criteria provided, single submitter. Criteria: ICSL Variant Classification Criteria 13 December 2019. Collection method: clinical testing. Allele origin: germline. Not counted in ClinVar's aggregate classification.
Comment: This variant was observed in the ICSL laboratory as part of a predisposition screen in an ostensibly healthy population. It had not been previously curated by ICSL or reported in the Human Gene Mutation Database (HGMD: prior to June 1st, 2018), and was therefore a candidate for classification through an automated scoring system. Utilizing variant allele frequency, disease prevalence and penetrance estimates, and inheritance mode, an automated score was calculated to assess if this variant is too frequent to cause the disease. Based on the score and internal cut-off values, a variant classified as benign is not then subjected to further curation. The score for this variant resulted in a classification of benign for this disease.

Illumina Laboratory Services, Illumina
Classification: Uncertain significance for Myosin storage myopathy. Last evaluated: 2018-01-12. Review status: criteria provided, single submitter. Criteria: ICSL Variant Classification Criteria 13 December 2019. Collection method: clinical testing. Allele origin: germline. Not counted in ClinVar's aggregate classification.

Ambry Genetics
Classification: Likely benign for Cardiovascular phenotype. Last evaluated: 2016-11-22. Review status: criteria provided, single submitter. Criteria: Ambry Variant Classification Scheme 2023. Collection method: clinical testing. Allele origin: germline. Not counted in ClinVar's aggregate classification.

GeneDx
Classification: Benign. Last evaluated: 2015-07-08. Review status: criteria provided, single submitter. Criteria: GeneDx Variant Classification (06012015). Collection method: clinical testing. Allele origin: germline. Affected: yes. Not counted in ClinVar's aggregate classification.
Comment: This variant is considered likely benign or benign based on one or more of the following criteria: it is a conservative change, it occurs at a poorly conserved position in the protein, it is predicted to be benign by multiple in silico algorithms, and/or has population frequency not consistent with disease.

Laboratory for Molecular Medicine, Mass General Brigham Personalized Medicine
Classification: Likely benign. Last evaluated: 2015-01-29. Review status: criteria provided, single submitter. Criteria: LMM Criteria. Collection method: clinical testing. Allele origin: germline. Observed: 6 variant alleles. Not counted in ClinVar's aggregate classification.
Comment: p.Tyr109Tyr in exon 4 of MYH7: This variant is not expected to have clinical sig nificance because it does not alter an amino acid residue and is not located nea r a splice junction. It has been identified in 0.2% (31/16512) of South Asian ch romosomes by the Exome Aggregation Consortium (ExAC. org; dbSNP rs36211408).

PreventionGenetics, part of Exact Sciences
Classification: Likely benign for MYH7-related condition. Last evaluated: 2023-08-01. Review status: no assertion criteria provided. Collection method: clinical testing. Allele origin: germline. Not counted in ClinVar's aggregate classification.
Comment: This variant is classified as likely benign based on ACMG/AMP sequence variant interpretation guidelines (Richards et al. 2015 PMID: 25741868, with internal and published modifications).

Literature cited by the submitters: PubMed 29300372 (cited by ClinGen Cardiomyopathy Variant Curation Expert Panel); PubMed 15358028 (cited by Women's Health and Genetics/Laboratory Corporation of America, LabCorp and Laboratory for Molecular Medicine, Mass General Brigham Personalized Medicine).